The following is an entry in ClinVar:

ClinVar aggregate classification (germline): Uncertain significance (1 of 4 stars; one submission).

Allele frequency attached by ClinVar (database versions not stated): gnomAD 0.00001; TOPMed 0.00001.
gnomAD v4.1: 1 of 1,614,080 alleles (0.000062%); highest among the groups gnomAD compares: Non-Finnish European, 0.000085%; no homozygotes.

Submission:

Ambry Genetics
Classification: Uncertain significance. Last evaluated: 2021-10-14. Review status: criteria provided, single submitter. Criteria: Ambry Variant Classification Scheme 2023. Collection method: clinical testing. Allele origin: germline.
Comment: The p.S857N variant (also known as c.2570G>A), located in coding exon 13 of the NPAT gene, results from a G to A substitution at nucleotide position 2570. The serine at codon 857 is replaced by asparagine, an amino acid with highly similar properties. This amino acid position is conserved. In addition, this alteration is predicted to be tolerated by in silico analysis. Since supporting evidence is limited at this time, the clinical significance of this alteration remains unclear.

NM_002519.3(NPAT):c.2570G>A (p.Ser857Asn)

Gene: NPAT (nuclear protein, coactivator of histone transcription; minus strand). Cytogenetic location: 11q22.3.
Variant type: single nucleotide variant.
Coding change: c.2570G>A on transcript NM_002519.3 (MANE Select); coding-DNA position 2570, G replaced by A.
Protein change: p.Ser857Asn; replaces serine 857 with asparagine.
Molecular consequence: missense variant.
Genome position (GRCh38, 1-based): chr11:108,172,414, C>T on the plus strand (G>A on the coding strand, the complement: NPAT is on the minus strand). VCF-style: chr11-108172414-C-T. GRCh37 (hg19) VCF-style: chr11-108043141-C-T.
Other names: c.2570G>A, p.Ser857Asn (NM_001321307.1); short protein forms S857N.
Identifiers: ClinVar variation 1793242 (VCV001793242.2), dbSNP rs1414917956, ClinGen allele CA382512693.
Genomic context (GRCh38, chr11:108,172,414, plus strand): 5'-GCTGTTGGATCAGTCACACAGGTAGCTATCAGAATGTTATTTGAATTGCCAAAAGCTGTG[C>T]TTGTGGCTGGCATCAACTGTATATATCCTCCATCCTTGGAAACACATGGTGTAACATTAG-3'
Protein context (NP_002510.2, residues 847-867): GGYIQLMPAT[Ser857Asn]TAFGNSNNIL